The following is an entry in ClinVar:

ClinVar aggregate classification (germline): Uncertain significance. Review status: criteria provided, multiple submitters, no conflicts (2 of 4 stars). 4 submissions from 4 submitters: Uncertain significance (4). Last evaluated 2025-08-03.

Conditions:
Hereditary cancer-predisposing syndrome. Also called: Neoplastic Syndromes, Hereditary; Hereditary Cancer Syndrome; Tumor predisposition; Hereditary neoplastic syndrome. Identifiers: Orphanet 140162, MedGen C0027672, MeSH D009386, MONDO:0015356.
Familial melanoma. Also called: Hereditary melanoma; Hereditary cutaneous melanoma. Identifiers: Orphanet 618, MedGen C1512419, MONDO:0018961.
Melanoma and neural system tumor syndrome. Also called: MELANOMA-ASTROCYTOMA SYNDROME. Identifiers: Orphanet 252206, MedGen C1835042, MONDO:0007967, OMIM 155755.

Submissions (4):

Labcorp Genetics (formerly Invitae), Labcorp
Classification: Uncertain significance for Familial melanoma. Last evaluated: 2025-08-03. Review status: criteria provided, single submitter. Criteria: Invitae Variant Classification Sherloc (09022015). Collection method: clinical testing. Allele origin: germline.
Comment: This sequence change replaces aspartic acid, which is acidic and polar, with glycine, which is neutral and non-polar, at codon 146 of the CDKN2A (p16INK4a) protein (p.Asp146Gly). This variant is not present in population databases (gnomAD no frequency). This variant has not been reported in the literature in individuals affected with CDKN2A (p16INK4a)-related conditions. ClinVar contains an entry for this variant (Variation ID: 2680552). An algorithm developed to predict the effect of missense changes on protein structure and function outputs the following: PolyPhen-2: "Benign". The glycine amino acid residue is found in multiple mammalian species, which suggests that this missense change does not adversely affect protein function. In summary, the available evidence is currently insufficient to determine the role of this variant in disease. Therefore, it has been classified as a Variant of Uncertain Significance.

Ambry Genetics
Classification: Uncertain significance for Hereditary cancer-predisposing syndrome. Last evaluated: 2025-04-10. Review status: criteria provided, single submitter. Criteria: Ambry Variant Classification Scheme 2023. Collection method: clinical testing. Allele origin: germline.
Comment: The p.D146G variant (also known as c.437A>G), located in coding exon 2 of the CDKN2A gene, results from an A to G substitution at nucleotide position 437. The aspartic acid at codon 146 is replaced by glycine, an amino acid with similar properties. Of note, this alteration is also known as c.480A>G in the p14(ARF) isoform. This amino acid position is not well conserved in available vertebrate species. In addition, this alteration is predicted to be tolerated by in silico analysis. Based on the available evidence, the clinical significance of this variant remains unclear.

Baylor Genetics
Classification: Uncertain significance for Melanoma and neural system tumor syndrome. Last evaluated: 2023-06-07. Review status: criteria provided, single submitter. Criteria: ACMG Guidelines, 2015. Collection method: clinical testing. Allele origin: unknown.

Color Diagnostics, LLC DBA Color Health
Classification: Uncertain significance for Hereditary cancer-predisposing syndrome. Last evaluated: 2021-09-07. Review status: criteria provided, single submitter. Criteria: ACMG Guidelines, 2015. Collection method: clinical testing. Allele origin: germline.
Comment: This missense variant replaces aspartic acid with glycine at codon 146 of the CDKN2A (p16INK4A) protein. Computational prediction suggests that this variant may not impact protein structure and function (internally defined REVEL score threshold <= 0.5, PMID: 27666373). To our knowledge, functional studies have not been reported for this variant. This variant has been reported in an individual affected with multiple myeloma (PMID: 26918361). This variant has not been identified in the general population by the Genome Aggregation Database (gnomAD). The available evidence is insufficient to determine the role of this variant in disease conclusively. Therefore, this variant is classified as a Variant of Uncertain Significance.

Literature cited by the submitters: PubMed 26918361 (cited by Color Diagnostics, LLC DBA Color Health).

NM_000077.5(CDKN2A):c.437A>G (p.Asp146Gly)

Gene: CDKN2A (cyclin dependent kinase inhibitor 2A; minus strand). Cytogenetic location: 9p21.3.
Variant type: single nucleotide variant.
Coding change: c.437A>G on transcript NM_000077.5; coding-DNA position 437, A replaced by G.
Protein change: p.Asp146Gly; replaces aspartic acid 146 with glycine.
Molecular consequence: missense variant (on NM_000077.6). On other transcripts: 3 prime UTR variant (2).
Genome position (GRCh38, 1-based): chr9:21,970,922, T>C on the plus strand (A>G on the coding strand, the complement: CDKN2A is on the minus strand). VCF-style: chr9-21970922-T-C. GRCh37 (hg19) VCF-style: chr9-21970921-T-C.
Other names: c.437A>G, p.Asp146Gly (NM_000077.6, NM_001195132.2); c.284A>G, p.Asp95Gly (NM_001363763.2); c.*81A>G (NM_058195.4); c.*360A>G (NM_058197.5); short protein forms D146G, D95G.
Identifiers: ClinVar variation 2680552 (VCV002680552.5), dbSNP rs1819681703, ClinGen allele CA373085843.
Genomic context (GRCh38, chr9:21,970,922, plus strand): 5'-AAGCTCTCAGGGTACAAATTCTCAGATCATCAGTCCTCACCTGAGGGACCTTCCGCGGCA[T>C]CTATGCGGGCATGGTTACTGCCTCTGGTGCCCCCCGCAGCCGCGCGCAGGTACCGTGCGA-3'
Protein context (NP_000068.1, residues 136-156): GTRGSNHARI[Asp146Gly]AAEGPSDIPD